The following is an entry in ClinVar:

ClinVar aggregate classification (germline): Uncertain significance. Review status: criteria provided, multiple submitters, no conflicts (2 of 4 stars). 2 submissions from 2 submitters: Uncertain significance (2). Last evaluated 2025-08-04.

Allele frequency attached by ClinVar (database versions not stated): gnomAD exomes 0.00003; ExAC 0.00012; gnomAD 0.00032; TOPMed 0.00039; ESP Exome Variant Server 0.00062.
gnomAD v4.1: 92 of 1,612,992 alleles (0.0057%); highest among the groups gnomAD compares: African/African-American, 0.11%; no homozygotes.

Submissions (2):

Labcorp Genetics (formerly Invitae), Labcorp
Classification: Uncertain significance. Last evaluated: 2025-08-04. Review status: criteria provided, single submitter. Criteria: Invitae Variant Classification Sherloc (09022015). Collection method: clinical testing. Allele origin: germline.
Comment: This sequence change replaces alanine, which is neutral and non-polar, with threonine, which is neutral and polar, at codon 284 of the NDUFA9 protein (p.Ala284Thr). This variant is present in population databases (rs139149480, gnomAD 0.1%), and has an allele count higher than expected for a pathogenic variant. This variant has not been reported in the literature in individuals affected with NDUFA9-related conditions. ClinVar contains an entry for this variant (Variation ID: 2150399). An algorithm developed to predict the effect of missense changes on protein structure and function outputs the following: PolyPhen-2: "Benign". The threonine amino acid residue is found in multiple mammalian species, which suggests that this missense change does not adversely affect protein function. In summary, the available evidence is currently insufficient to determine the role of this variant in disease. Therefore, it has been classified as a Variant of Uncertain Significance.

Mayo Clinic Laboratories, Mayo Clinic
Classification: Uncertain significance. Last evaluated: 2023-11-17. Review status: criteria provided, single submitter. Criteria: ACMG Guidelines, 2015. Collection method: clinical testing. Allele origin: germline. Observed: 2 variant alleles.
Comment: BP4

NM_005002.5(NDUFA9):c.850G>A (p.Ala284Thr)

Gene: NDUFA9 (NADH:ubiquinone oxidoreductase subunit A9; plus strand). Cytogenetic location: 12p13.32.
Variant type: single nucleotide variant.
Coding change: c.850G>A on transcript NM_005002.5 (MANE Select); coding-DNA position 850, G replaced by A.
Protein change: p.Ala284Thr; replaces alanine 284 with threonine.
Molecular consequence: missense variant.
Genome position (GRCh38, 1-based): chr12:4,682,254, G>A. VCF-style: chr12-4682254-G-A. GRCh37 (hg19) VCF-style: chr12-4791420-G-A.
Other names: p.Ala284Thr; short protein forms A284T.
Identifiers: ClinVar variation 2150399 (VCV002150399.5), dbSNP rs139149480, ClinGen allele CA6398255.
Genomic context (GRCh38, chr12:4,682,254, plus strand): 5'-TCTTTTTATAGTCCCAGTCGGTACCTCCTTTTCCACCTGGTGAAGTACATCTTTGCTGTG[G>A]CTCACAGATTGTTCCTCCCATTCCCCTTGCCGCTTTTTGCCTATCGGTAAGTAGAGTGCT-3'
Protein context (NP_004993.1, residues 274-294): FHLVKYIFAV[Ala284Thr]HRLFLPFPLP